The following is an entry in ClinVar:

NM_005359.6(SMAD4):c.160T>A (p.Leu54Met)

Gene: SMAD4 (SMAD family member 4; plus strand). Cytogenetic location: 18q21.2.
Variant type: single nucleotide variant.
Coding change: c.160T>A on transcript NM_005359.6 (MANE Select); coding-DNA position 160, T replaced by A.
Protein change: p.Leu54Met; replaces leucine 54 with methionine.
Molecular consequence: missense variant. On other transcripts: non-coding transcript variant (2).
Genome position (GRCh38, 1-based): chr18:51,047,206, T>A. VCF-style: chr18-51047206-T-A. GRCh37 (hg19) VCF-style: chr18-48573576-T-A.
Other names: c.160T>A, p.Leu54Met (NM_001407041.1, NM_001407042.1, NM_001407043.1); short protein forms L54M.
Identifiers: ClinVar variation 4170047 (VCV004170047.1).

ClinVar aggregate classification (germline): Uncertain significance (1 of 4 stars; one submission).

Conditions:
Familial thoracic aortic aneurysm and aortic dissection (TAAD). Also called: Thoracic aortic aneurysms and dissections. Identifiers: Orphanet 91387, MedGen C4707243, MONDO:0019625.
Hereditary cancer-predisposing syndrome. Also called: Neoplastic Syndromes, Hereditary; Tumor predisposition; Hereditary Cancer Syndrome; Hereditary neoplastic syndrome. Identifiers: Orphanet 140162, MedGen C0027672, MeSH D009386, MONDO:0015356.

Submission:

Ambry Genetics
Classification: Uncertain significance for Hereditary cancer-predisposing syndrome; Familial thoracic aortic aneurysm and aortic dissection. Last evaluated: 2025-08-07. Review status: criteria provided, single submitter. Criteria: Ambry Variant Classification Scheme 2023. Collection method: clinical testing. Allele origin: germline.
Comment: The p.L54M variant (also known as c.160T>A), located in coding exon 1 of the SMAD4 gene, results from a T to A substitution at nucleotide position 160. The leucine at codon 54 is replaced by methionine, an amino acid with highly similar properties. This amino acid position is conserved. In addition, the in silico prediction for this alteration is inconclusive. Based on the available evidence, the clinical significance of this variant remains unclear.